The following is an entry in ClinVar:

ClinVar aggregate classification (germline): Uncertain significance (1 of 4 stars; one submission).

Submission:

Labcorp Genetics (formerly Invitae), Labcorp
Classification: Uncertain significance. Last evaluated: 2021-12-02. Review status: criteria provided, single submitter. Criteria: Invitae Variant Classification Sherloc (09022015). Collection method: clinical testing. Allele origin: germline.
Comment: In summary, the available evidence is currently insufficient to determine the role of this variant in disease. Therefore, it has been classified as a Variant of Uncertain Significance. Algorithms developed to predict the effect of missense changes on protein structure and function are either unavailable or do not agree on the potential impact of this missense change (SIFT: "Deleterious"; PolyPhen-2: "Probably Damaging"; Align-GVGD: "Class C0"). This variant has not been reported in the literature in individuals affected with LAMA1-related conditions. This variant is not present in population databases (gnomAD no frequency). This sequence change replaces threonine, which is neutral and polar, with alanine, which is neutral and non-polar, at codon 2350 of the LAMA1 protein (p.Thr2350Ala).

NM_005559.4(LAMA1):c.7048A>G (p.Thr2350Ala)

Gene: LAMA1 (laminin subunit alpha 1; minus strand). Cytogenetic location: 18p11.31.
Variant type: single nucleotide variant.
Coding change: c.7048A>G on transcript NM_005559.4 (MANE Select); coding-DNA position 7048, A replaced by G.
Protein change: p.Thr2350Ala; replaces threonine 2350 with alanine.
Molecular consequence: missense variant.
Genome position (GRCh38, 1-based): chr18:6,966,149, T>C on the plus strand (A>G on the coding strand, the complement: LAMA1 is on the minus strand). VCF-style: chr18-6966149-T-C. GRCh37 (hg19) VCF-style: chr18-6966148-T-C.
Other names: short protein forms T2350A.
Identifiers: ClinVar variation 1504115 (VCV001504115.6), dbSNP rs2144018284, ClinGen allele CA401826969.